The following is an entry in ClinVar:

NM_001367721.1(CASK):c.2243A>G (p.His748Arg)

Gene: CASK (calcium/calmodulin dependent serine protein kinase; minus strand). Cytogenetic location: Xp11.4.
Variant type: single nucleotide variant.
Coding change: c.2243A>G on transcript NM_001367721.1 (MANE Select); coding-DNA position 2243, A replaced by G.
Protein change: p.His748Arg; replaces histidine 748 with arginine.
Molecular consequence: missense variant.
Genome position (GRCh38, 1-based): chrX:41,534,780, T>C on the plus strand (A>G on the coding strand, the complement: CASK is on the minus strand). VCF-style: chrX-41534780-T-C. GRCh37 (hg19) VCF-style: chrX-41394033-T-C.
Other names: c.2159A>G, p.His720Arg (NM_001126054.3); c.2156A>G, p.His719Arg (NM_001126055.3); c.2225A>G, p.His742Arg (NM_001410745.1); c.2228A>G, p.His743Arg (NM_003688.4); short protein forms H719R, H720R, H743R, H748R, H742R.
Identifiers: ClinVar variation 930925 (VCV000930925.8), dbSNP rs2064853222, ClinGen allele CA412991669.

ClinVar aggregate classification (germline): Uncertain significance. Review status: criteria provided, multiple submitters, no conflicts (2 of 4 stars). 2 submissions from 2 submitters: Uncertain significance (2). Last evaluated 2023-02-11.

Conditions:
FG syndrome 4 (FGS4). Identifiers: MedGen C1845546, MONDO:0010318, OMIM 300422.
Intellectual disability, CASK-related, X-linked. Identifiers: MedGen CN043158.

Submissions (2):

Labcorp Genetics (formerly Invitae), Labcorp
Classification: Uncertain significance for Intellectual disability, CASK-related, X-linked. Last evaluated: 2023-02-11. Review status: criteria provided, single submitter. Criteria: Invitae Variant Classification Sherloc (09022015). Collection method: clinical testing. Allele origin: germline.
Comment: Algorithms developed to predict the effect of missense changes on protein structure and function (SIFT, PolyPhen-2, Align-GVGD) all suggest that this variant is likely to be disruptive. In summary, the available evidence is currently insufficient to determine the role of this variant in disease. Therefore, it has been classified as a Variant of Uncertain Significance. This sequence change replaces histidine, which is basic and polar, with arginine, which is basic and polar, at codon 743 of the CASK protein (p.His743Arg). This variant is not present in population databases (gnomAD no frequency). This variant has not been reported in the literature in individuals affected with CASK-related conditions. ClinVar contains an entry for this variant (Variation ID: 930925).

Centre for Mendelian Genomics, University Medical Centre Ljubljana
Classification: Uncertain significance for FG syndrome 4. Last evaluated: 2020-03-19. Review status: criteria provided, single submitter. Criteria: ACMG Guidelines, 2015. Collection method: clinical testing. Allele origin: unknown. Affected: yes.
Comment: This variant was classified as: Uncertain significance. The following ACMG criteria were applied in classifying this variant: PM1,PM2. This variant was detected in hemizygous state.